The following is an entry in ClinVar:

NM_139027.6(ADAMTS13):c.1016C>G (p.Thr339Arg)

Gene: ADAMTS13 (ADAM metallopeptidase with thrombospondin type 1 motif 13; plus strand). Cytogenetic location: 9q34.2.
Variant type: single nucleotide variant.
Coding change: c.1016C>G on transcript NM_139027.6 (MANE Select); coding-DNA position 1016, C replaced by G.
Protein change: p.Thr339Arg; replaces threonine 339 with arginine.
Molecular consequence: missense variant. On other transcripts: non-coding transcript variant (1).
Genome position (GRCh38, 1-based): chr9:133,432,616, C>G. VCF-style: chr9-133432616-C-G. GRCh37 (hg19) VCF-style: chr9-136297737-C-G.
Other names: p.Thr339Arg; c.1016C>G, p.Thr339Arg (NM_139025.5); c.923C>G, p.Thr308Arg (NM_139026.6); short protein forms T339R, T308R.
Identifiers: ClinVar variation 773914 (VCV000773914.14), dbSNP rs149517360, ClinGen allele CA200926484.

ClinVar aggregate classification (germline): Benign/Likely benign. Review status: criteria provided, multiple submitters, no conflicts (2 of 4 stars). 4 submissions from 4 submitters: Benign (2); Likely benign (1). 1 of the submissions does not count toward it. Last evaluated 2026-02-01.

Conditions:
ADAMTS13-related disorder. Also called: ADAMTS13-related condition.

Allele frequency attached by ClinVar (database versions not stated): ESP Exome Variant Server 0.00046; TOPMed 0.00136; gnomAD 0.00141 and 0.00171; gnomAD exomes 0.00264; ExAC 0.00271; 1000 Genomes Project 30x 0.00390; 1000 Genomes Project 0.00439.
gnomAD v4.1: 2,016 of 1,556,098 alleles (0.13%); highest among the groups gnomAD compares: East Asian, 2.3%; 24 homozygotes.

Submissions (10):

Labcorp Genetics (formerly Invitae), Labcorp
Classification: Benign. Last evaluated: 2026-02-01. Review status: criteria provided, single submitter. Criteria: Invitae Variant Classification Sherloc (09022015). Collection method: clinical testing. Allele origin: germline.

Blueprint Genetics
Classification: Likely benign. Last evaluated: 2024-11-18. Review status: criteria provided, single submitter. Criteria: ACMG Guidelines, 2015. Collection method: clinical testing. Allele origin: germline.

Mayo Clinic Laboratories, Mayo Clinic
Classification: Benign. Last evaluated: 2022-10-17. Review status: criteria provided, single submitter. Criteria: ACMG Guidelines, 2015. Collection method: clinical testing. Allele origin: germline. Observed: 20 variant alleles.
Comment: BS1, BS2, BS3_supporting

PreventionGenetics, part of Exact Sciences
Classification: Likely benign for ADAMTS13-related condition. Last evaluated: 2022-11-18. Review status: no assertion criteria provided. Collection method: clinical testing. Allele origin: germline. Not counted in ClinVar's aggregate classification.
Comment: This variant is classified as likely benign based on ACMG/AMP sequence variant interpretation guidelines (Richards et al. 2015 PMID: 25741868, with internal and published modifications).

Dr. Peter K. Rogan Lab, Western University
No classification provided (evidence only). Condition: Familial cancer of breast. Review status: no classification provided. Collection method: in vitro. Allele origin: not applicable. Functional consequence: retained intron. Not counted in ClinVar's aggregate classification.

Dr. Peter K. Rogan Lab, Western University
No classification provided (evidence only). Condition: Familial cancer of breast. Review status: no classification provided. Collection method: in vitro. Allele origin: not applicable. Functional consequence: retained intron. Not counted in ClinVar's aggregate classification.

Dr. Peter K. Rogan Lab, Western University
No classification provided (evidence only). Condition: Uterine corpus endometrial carcinoma. Review status: no classification provided. Collection method: in vitro. Allele origin: not applicable. Functional consequence: retained intron. Not counted in ClinVar's aggregate classification.

Dr. Peter K. Rogan Lab, Western University
No classification provided (evidence only). Condition: Cervical cancer. Review status: no classification provided. Collection method: in vitro. Allele origin: not applicable. Functional consequence: retained intron. Not counted in ClinVar's aggregate classification.

Dr. Peter K. Rogan Lab, Western University
No classification provided (evidence only). Condition: Malignant lymphoma, large B-cell, diffuse. Review status: no classification provided. Collection method: in vitro. Allele origin: not applicable. Functional consequence: retained intron. Not counted in ClinVar's aggregate classification.

Dr. Peter K. Rogan Lab, Western University
No classification provided (evidence only). Condition: Ovarian serous cystadenocarcinoma. Review status: no classification provided. Collection method: in vitro. Allele origin: not applicable. Functional consequence: retained intron. Not counted in ClinVar's aggregate classification.